The following is an entry in ClinVar:

NM_001384732.1(CPLANE1):c.143G>A (p.Gly48Glu)

Gene: CPLANE1 (ciliogenesis and planar polarity effector complex subunit 1; minus strand). Cytogenetic location: 5p13.2.
Variant type: single nucleotide variant.
Coding change: c.143G>A on transcript NM_001384732.1 (MANE Select); coding-DNA position 143, G replaced by A.
Protein change: p.Gly48Glu; replaces glycine 48 with glutamic acid.
Molecular consequence: missense variant.
Genome position (GRCh38, 1-based): chr5:37,245,784, C>T on the plus strand (G>A on the coding strand, the complement: CPLANE1 is on the minus strand). VCF-style: chr5-37245784-C-T. GRCh37 (hg19) VCF-style: chr5-37245886-C-T.
Other names: c.143G>A, p.Gly48Glu (NM_023073.4); short protein forms G48E.
Identifiers: ClinVar variation 1447842 (VCV001447842.8), dbSNP rs1739435355, ClinGen allele CA359524566.

ClinVar aggregate classification (germline): Uncertain significance (1 of 4 stars; one submission).

Allele frequency attached by ClinVar (database versions not stated): gnomAD exomes below 0.00001.
gnomAD v4.1: 2 of 1,533,314 alleles (0.00013%); highest among the groups gnomAD compares: Non-Finnish European, 0.00018%; no homozygotes.

Submission:

Labcorp Genetics (formerly Invitae), Labcorp
Classification: Uncertain significance. Last evaluated: 2022-10-24. Review status: criteria provided, single submitter. Criteria: Invitae Variant Classification Sherloc (09022015). Collection method: clinical testing. Allele origin: germline.
Comment: Advanced modeling of protein sequence and biophysical properties (such as structural, functional, and spatial information, amino acid conservation, physicochemical variation, residue mobility, and thermodynamic stability) performed at Invitae indicates that this missense variant is expected to disrupt CPLANE1 protein function. In summary, the available evidence is currently insufficient to determine the role of this variant in disease. Therefore, it has been classified as a Variant of Uncertain Significance. ClinVar contains an entry for this variant (Variation ID: 1447842). This sequence change replaces glycine, which is neutral and non-polar, with glutamic acid, which is acidic and polar, at codon 48 of the CPLANE1 protein (p.Gly48Glu). This variant is not present in population databases (gnomAD no frequency). This missense change has been observed in individual(s) with Joubert syndrome (PMID: 25407461). This gene is also known as C5orf42.

Literature cited by the submitters: PubMed 25407461.